The following is an entry in ClinVar:

NM_001008537.3(NEXMIF):c.2962G>C (p.Gly988Arg)

Gene: NEXMIF (neurite extension and migration factor; minus strand). Cytogenetic location: Xq13.3.
Variant type: single nucleotide variant.
Coding change: c.2962G>C on transcript NM_001008537.3 (MANE Select); coding-DNA position 2962, G replaced by C.
Protein change: p.Gly988Arg; replaces glycine 988 with arginine.
Molecular consequence: missense variant.
Genome position (GRCh38, 1-based): chrX:74,741,595, C>G on the plus strand (G>C on the coding strand, the complement: NEXMIF is on the minus strand). VCF-style: chrX-74741595-C-G. GRCh37 (hg19) VCF-style: chrX-73961430-C-G.
Other names: short protein forms G988R.
Identifiers: ClinVar variation 1365544 (VCV001365544.8), dbSNP rs2147439813, ClinGen allele CA413667032.

ClinVar aggregate classification (germline): Uncertain significance (1 of 4 stars; one submission).

Allele frequency attached by ClinVar (database versions not stated): gnomAD exomes below 0.00001.
gnomAD v4.1: 1 of 1,211,649 alleles (0.000083%); highest among the groups gnomAD compares: South Asian, 0.0018%; no homozygotes.

Submission:

Labcorp Genetics (formerly Invitae), Labcorp
Classification: Uncertain significance. Last evaluated: 2023-11-28. Review status: criteria provided, single submitter. Criteria: Invitae Variant Classification Sherloc (09022015). Collection method: clinical testing. Allele origin: germline.
Comment: This sequence change replaces glycine, which is neutral and non-polar, with arginine, which is basic and polar, at codon 988 of the NEXMIF protein (p.Gly988Arg). This variant is not present in population databases (gnomAD no frequency). This variant has not been reported in the literature in individuals affected with NEXMIF-related conditions. ClinVar contains an entry for this variant (Variation ID: 1365544). An algorithm developed to predict the effect of missense changes on protein structure and function (PolyPhen-2) suggests that this variant is likely to be disruptive. In summary, the available evidence is currently insufficient to determine the role of this variant in disease. Therefore, it has been classified as a Variant of Uncertain Significance.